The following is an entry in ClinVar:

NM_020461.4(TUBGCP6):c.688C>G (p.Leu230Val)

Gene: TUBGCP6 (tubulin gamma complex component 6; minus strand). Cytogenetic location: 22q13.33.
Variant type: single nucleotide variant.
Coding change: c.688C>G on transcript NM_020461.4 (MANE Select); coding-DNA position 688, C replaced by G.
Protein change: p.Leu230Val; replaces leucine 230 with valine.
Molecular consequence: missense variant.
Genome position (GRCh38, 1-based): chr22:50,243,772, G>C on the plus strand (C>G on the coding strand, the complement: TUBGCP6 is on the minus strand). VCF-style: chr22-50243772-G-C. GRCh37 (hg19) VCF-style: chr22-50682201-G-C.
Other names: short protein forms L230V.
Identifiers: ClinVar variation 2006540 (VCV002006540.4), dbSNP rs776804068, ClinGen allele CA10308999.

ClinVar aggregate classification (germline): Uncertain significance (1 of 4 stars; one submission).

Allele frequency attached by ClinVar (database versions not stated): TOPMed below 0.00001; ExAC 0.00001.

Submission:

Labcorp Genetics (formerly Invitae), Labcorp
Classification: Uncertain significance. Last evaluated: 2023-11-27. Review status: criteria provided, single submitter. Criteria: Invitae Variant Classification Sherloc (09022015). Collection method: clinical testing. Allele origin: germline.
Comment: This sequence change replaces leucine, which is neutral and non-polar, with valine, which is neutral and non-polar, at codon 230 of the TUBGCP6 protein (p.Leu230Val). This variant is present in population databases (rs776804068, gnomAD 0.007%). This variant has not been reported in the literature in individuals affected with TUBGCP6-related conditions. ClinVar contains an entry for this variant (Variation ID: 2006540). An algorithm developed to predict the effect of missense changes on protein structure and function (PolyPhen-2) suggests that this variant is likely to be disruptive. In summary, the available evidence is currently insufficient to determine the role of this variant in disease. Therefore, it has been classified as a Variant of Uncertain Significance.